The following is an entry in ClinVar:

NM_001130144.3(LTBP3):c.864+5G>A

Gene: LTBP3 (latent transforming growth factor beta binding protein 3; minus strand). Cytogenetic location: 11q13.1.
Variant type: single nucleotide variant.
Coding change: c.864+5G>A on transcript NM_001130144.3 (MANE Select); 5 bases into the intron after coding-DNA position 864, G replaced by A.
Molecular consequence: intron variant.
Genome position (GRCh38, 1-based): chr11:65,553,696, C>T on the plus strand (G>A on the coding strand, the complement: LTBP3 is on the minus strand). VCF-style: chr11-65553696-C-T. GRCh37 (hg19) VCF-style: chr11-65321167-C-T.
Other names: c.513+5G>A (NM_001164266.1); c.864+5G>A (NM_021070.4).
Identifiers: ClinVar variation 4691034 (VCV004691034.1).

ClinVar aggregate classification (germline): Uncertain significance (1 of 4 stars; one submission).

Conditions:
Brachyolmia-amelogenesis imperfecta syndrome. Also called: Tooth agenesis, selective, 6; Dental anomalies and short stature; PLATYSPONDYLY WITH AMELOGENESIS IMPERFECTA. Identifiers: Orphanet 2899, MedGen C1832594, MONDO:0011018, OMIM 601216. Disease mechanism: loss of function.

Submission:

Labcorp Genetics (formerly Invitae), Labcorp
Classification: Uncertain significance for Brachyolmia-amelogenesis imperfecta syndrome. Last evaluated: 2026-01-26. Review status: criteria provided, single submitter. Criteria: Invitae Variant Classification Sherloc (09022015). Collection method: clinical testing. Allele origin: germline.
Comment: This sequence change falls in intron 3 of the LTBP3 gene. It does not directly change the encoded amino acid sequence of the LTBP3 protein. It affects a nucleotide within the consensus splice site. This variant is not present in population databases (gnomAD no frequency). This variant has not been reported in the literature in individuals affected with LTBP3-related conditions. Variants that disrupt the consensus splice site are a relatively common cause of aberrant splicing (PMID: 17576681, 9536098). Algorithms developed to predict the effect of sequence changes on RNA splicing suggest that this variant may disrupt the consensus splice site. In summary, the available evidence is currently insufficient to determine the role of this variant in disease. Therefore, it has been classified as a Variant of Uncertain Significance.

Literature cited by the submitters: PubMed 17576681; PubMed 9536098.